The following is an entry in ClinVar:

NM_000275.3(OCA2):c.2079+4A>C

Gene: OCA2 (OCA2 melanosomal transmembrane protein; minus strand). Cytogenetic location: 15q13.1.
Variant type: single nucleotide variant.
Coding change: c.2079+4A>C on transcript NM_000275.3 (MANE Select); 4 bases into the intron after coding-DNA position 2079, A replaced by C.
Molecular consequence: intron variant.
Genome position (GRCh38, 1-based): chr15:27,926,123, T>G on the plus strand (A>C on the coding strand, the complement: OCA2 is on the minus strand). VCF-style: chr15-27926123-T-G. GRCh37 (hg19) VCF-style: chr15-28171269-T-G.
Other names: c.2007+4A>C (NM_001300984.2).
Identifiers: ClinVar variation 1355986 (VCV001355986.8), dbSNP rs2140370958, ClinGen allele CA2573150603.

ClinVar aggregate classification (germline): Uncertain significance (1 of 4 stars; one submission).

Allele frequency attached by ClinVar (database versions not stated): gnomAD exomes below 0.00001.
gnomAD v4.1: 2 of 1,614,064 alleles (0.00012%); highest among the groups gnomAD compares: Non-Finnish European, 0.00017%; no homozygotes.

Submission:

Labcorp Genetics (formerly Invitae), Labcorp
Classification: Uncertain significance. Last evaluated: 2021-05-22. Review status: criteria provided, single submitter. Criteria: Invitae Variant Classification Sherloc (09022015). Collection method: clinical testing. Allele origin: germline.
Comment: This sequence change falls in intron 19 of the OCA2 gene. It does not directly change the encoded amino acid sequence of the OCA2 protein. It affects a nucleotide within the consensus splice site of the intron. This variant is not present in population databases (ExAC no frequency). This variant has been observed in individual(s) with oculocutaneous albinism (Invitae). Nucleotide substitutions within the consensus splice site are a relatively common cause of aberrant splicing (PMID: 17576681, 9536098). Algorithms developed to predict the effect of sequence changes on RNA splicing suggest that this variant is not likely to affect RNA splicing, but this prediction has not been confirmed by published transcriptional studies. In summary, the available evidence is currently insufficient to determine the role of this variant in disease. Therefore, it has been classified as a Variant of Uncertain Significance.

Literature cited by the submitters: PubMed 17576681; PubMed 9536098.